The following is an entry in ClinVar:

NM_000081.4(LYST):c.3331G>A (p.Ala1111Thr)

Gene: LYST (lysosomal trafficking regulator; minus strand). Cytogenetic location: 1q42.3.
Variant type: single nucleotide variant.
Coding change: c.3331G>A on transcript NM_000081.4 (MANE Select); coding-DNA position 3331, G replaced by A.
Protein change: p.Ala1111Thr; replaces alanine 1111 with threonine.
Molecular consequence: missense variant.
Genome position (GRCh38, 1-based): chr1:235,805,805, C>T on the plus strand (G>A on the coding strand, the complement: LYST is on the minus strand). VCF-style: chr1-235805805-C-T. GRCh37 (hg19) VCF-style: chr1-235969105-C-T.
Other names: c.3331G>A, p.Ala1111Thr (NM_001301365.1); short protein forms A1111T.
Identifiers: ClinVar variation 1047460 (VCV001047460.4), dbSNP rs146513322, ClinGen allele CA1467105.

ClinVar aggregate classification (germline): Uncertain significance (1 of 4 stars; one submission).

Conditions:
Chédiak-Higashi syndrome (CHS). Also called: Chediak-Higashi Syndrome. Identifiers: Orphanet 167, MedGen C0007965, MONDO:0008963, OMIM 214500.

Allele frequency attached by ClinVar (database versions not stated): ExAC 0.00001; gnomAD 0.00001; gnomAD exomes 0.00002; TOPMed 0.00002; ESP Exome Variant Server 0.00008.
gnomAD v4.1: 26 of 1,613,382 alleles (0.0016%); highest among the groups gnomAD compares: South Asian, 0.0022%; no homozygotes.

Submission:

Labcorp Genetics (formerly Invitae), Labcorp
Classification: Uncertain significance for Chédiak-Higashi syndrome. Last evaluated: 2022-04-22. Review status: criteria provided, single submitter. Criteria: Invitae Variant Classification Sherloc (09022015). Collection method: clinical testing. Allele origin: germline.
Comment: This sequence change replaces alanine, which is neutral and non-polar, with threonine, which is neutral and polar, at codon 1111 of the LYST protein (p.Ala1111Thr). This variant is present in population databases (rs146513322, gnomAD 0.003%). This variant has not been reported in the literature in individuals affected with LYST-related conditions. ClinVar contains an entry for this variant (Variation ID: 1047460). Algorithms developed to predict the effect of missense changes on protein structure and function output the following: SIFT: "Tolerated"; PolyPhen-2: "Probably Damaging"; Align-GVGD: "Class C0". The threonine amino acid residue is found in multiple mammalian species, which suggests that this missense change does not adversely affect protein function. In summary, the available evidence is currently insufficient to determine the role of this variant in disease. Therefore, it has been classified as a Variant of Uncertain Significance.